The following is an entry in ClinVar:

ClinVar aggregate classification (germline): Uncertain significance (1 of 4 stars; one submission).

Allele frequency attached by ClinVar (database versions not stated): gnomAD 0.00001; gnomAD exomes 0.00003; TOPMed 0.00002; ESP Exome Variant Server 0.00008; ExAC 0.00004.
gnomAD v4.1: 39 of 1,555,980 alleles (0.0025%); highest among the groups gnomAD compares: Non-Finnish European, 0.0033%; no homozygotes.

Submission:

Labcorp Genetics (formerly Invitae), Labcorp
Classification: Uncertain significance. Last evaluated: 2025-10-06. Review status: criteria provided, single submitter. Criteria: Invitae Variant Classification Sherloc (09022015). Collection method: clinical testing. Allele origin: germline.
Comment: This sequence change replaces serine, which is neutral and polar, with threonine, which is neutral and polar, at codon 345 of the ZMIZ1 protein (p.Ser345Thr). This variant is present in population databases (rs140387368, gnomAD 0.007%). This variant has not been reported in the literature in individuals affected with ZMIZ1-related conditions. ClinVar contains an entry for this variant (Variation ID: 2874136). Invitae Evidence Modeling of protein sequence and biophysical properties (such as structural, functional, and spatial information, amino acid conservation, physicochemical variation, residue mobility, and thermodynamic stability) indicates that this missense variant is not expected to disrupt ZMIZ1 protein function with a negative predictive value of 95%. In summary, the available evidence is currently insufficient to determine the role of this variant in disease. Therefore, it has been classified as a Variant of Uncertain Significance.

NM_020338.4(ZMIZ1):c.1034G>C (p.Ser345Thr)

Gene: ZMIZ1 (zinc finger MIZ-type containing 1; plus strand). Cytogenetic location: 10q22.3.
Variant type: single nucleotide variant.
Coding change: c.1034G>C on transcript NM_020338.4 (MANE Select); coding-DNA position 1034, G replaced by C.
Protein change: p.Ser345Thr; replaces serine 345 with threonine.
Molecular consequence: missense variant.
Genome position (GRCh38, 1-based): chr10:79,293,457, G>C. VCF-style: chr10-79293457-G-C. GRCh37 (hg19) VCF-style: chr10-81053214-G-C.
Other names: short protein forms S345T.
Identifiers: ClinVar variation 2874136 (VCV002874136.3), dbSNP rs140387368, ClinGen allele CA5572518.